The following is an entry in ClinVar:

NM_139055.4(ADAMTS15):c.2160C>T (p.Ile720=)

Gene: ADAMTS15 (ADAM metallopeptidase with thrombospondin type 1 motif 15; plus strand). Cytogenetic location: 11q24.3.
Variant type: single nucleotide variant.
Coding change: c.2160C>T on transcript NM_139055.4 (MANE Select); coding-DNA position 2160, C replaced by T.
Protein change: p.Ile720=; no amino-acid change (isoleucine 720 retained).
Molecular consequence: synonymous variant.
Genome position (GRCh38, 1-based): chr11:130,473,128, C>T. VCF-style: chr11-130473128-C-T. GRCh37 (hg19) VCF-style: chr11-130343023-C-T.
Identifiers: ClinVar variation 787389 (VCV000787389.11), dbSNP rs61746092, ClinGen allele CA6366189.
Genomic context (GRCh38, chr11:130,473,128, plus strand): 5'-GGCCATCCCCGCAGGCGCCTCAAGCATCGACATCCGCCAGCGCGGTTACAAAGGGCTGAT[C>T]GGGGATGACAACTACCTGGCTCTGAAGAACAGCCAAGGCAAGTACCTGCTCAACGGGCAT-3'
Protein context (NP_620686.1, residues 710-730): DIRQRGYKGL[Ile720=]GDDNYLALKN

ClinVar aggregate classification (germline): Benign. Review status: criteria provided, multiple submitters, no conflicts (2 of 4 stars). 3 submissions from 3 submitters: Benign (3). Last evaluated 2026-03-01.

Allele frequency attached by ClinVar (database versions not stated): gnomAD 0.00710; ESP Exome Variant Server 0.00854; 1000 Genomes Project 30x 0.00890; TOPMed 0.00905; 1000 Genomes Project 0.00919.
gnomAD v4.1: 11,629 of 1,614,080 alleles (0.72%); highest among the groups gnomAD compares: Middle Eastern, 3%; 76 homozygotes.

Submissions (3):

CeGaT Center for Human Genetics Tuebingen
Classification: Benign. Last evaluated: 2026-03-01. Review status: criteria provided, single submitter. Criteria: CeGaT Center For Human Genetics Tuebingen Variant Classification Criteria Version 2. Collection method: clinical testing. Allele origin: germline. Affected: yes. Observed: 3 variant alleles.
Comment: ADAMTS15: BP4, BP7, BS1, BS2

Labcorp Genetics (formerly Invitae), Labcorp
Classification: Benign. Last evaluated: 2017-11-13. Review status: criteria provided, single submitter. Criteria: Invitae Variant Classification Sherloc (09022015). Collection method: clinical testing. Allele origin: germline.

Breakthrough Genomics
Classification: Benign. Review status: criteria provided, single submitter. Criteria: ACMG Guidelines, 2015. Collection method: not provided. Allele origin: germline. Inheritance: Unknown mechanism. Affected: yes.